The following is an entry in ClinVar:

NM_002855.5(NECTIN1):c.*1610G>C

Gene: NECTIN1 (nectin cell adhesion molecule 1; minus strand). Cytogenetic location: 11q23.3.
Variant type: single nucleotide variant.
Coding change: c.*1610G>C on transcript NM_002855.5 (MANE Select); 1610 bases downstream of the stop codon, G replaced by C.
Molecular consequence: 3 prime UTR variant. On other transcripts: intron variant (1).
Genome position (GRCh38, 1-based): chr11:119,663,137, C>G on the plus strand (G>C on the coding strand, the complement: NECTIN1 is on the minus strand). VCF-style: chr11-119663137-C-G. GRCh37 (hg19) VCF-style: chr11-119533847-C-G.
Other names: c.1003+12022G>C (NM_203285.2).
Identifiers: ClinVar variation 878923 (VCV000878923.6), dbSNP rs114004441, ClinGen allele CA229720384.

ClinVar aggregate classification (germline): Likely benign. Review status: criteria provided, multiple submitters, no conflicts (2 of 4 stars). 2 submissions from 2 submitters: Likely benign (2). Last evaluated 2018-01-12.

Conditions:
Cleft lip/palate-ectodermal dysplasia syndrome (CLPED1). Also called: ECTODERMAL DYSPLASIA, CLEFT LIP AND PALATE, MENTAL RETARDATION, AND SYNDACTYLY; ECTODERMAL DYSPLASIA, MARGARITA ISLAND TYPE; ECTODERMAL DYSPLASIA, TYPE 4; ZLOTOGORA-OGUR SYNDROME; Zlotogora syndrome. Identifiers: Orphanet 3253, MedGen C2931488, MONDO:0009151, OMIM 225060.

Allele frequency attached by ClinVar (database versions not stated): gnomAD exomes 0.00120; gnomAD 0.01558 and 0.01660; TOPMed 0.01762; 1000 Genomes Project 0.02216; 1000 Genomes Project 30x 0.02452.
gnomAD v4.1: 3,396 of 985,540 alleles (0.34%); highest among the groups gnomAD compares: African/African-American, 5.4%; 84 homozygotes.

Submissions (2):

Illumina Laboratory Services, Illumina
Classification: Likely benign for Cleft lip/palate-ectodermal dysplasia syndrome. Last evaluated: 2018-01-12. Review status: criteria provided, single submitter. Criteria: ICSL Variant Classification Criteria 13 December 2019. Collection method: clinical testing. Allele origin: germline.
Comment: This variant was observed in the ICSL laboratory as part of a predisposition screen in an ostensibly healthy population. It had not been previously curated by ICSL or reported in the Human Gene Mutation Database (HGMD: prior to June 1st, 2018), and was therefore a candidate for classification through an automated scoring system. Utilizing variant allele frequency, disease prevalence and penetrance estimates, and inheritance mode, an automated score was calculated to assess if this variant is too frequent to cause the disease. Based on the score and internal cut-off values, a variant classified as likely benign is not then subjected to further curation. The score for this variant resulted in a classification of likely benign for this disease.

Breakthrough Genomics
Classification: Likely benign. Review status: criteria provided, single submitter. Criteria: ACMG Guidelines, 2015. Collection method: not provided. Allele origin: germline. Inheritance: Autosomal recessive inheritance. Affected: yes.